The following is an entry in ClinVar:

ClinVar aggregate classification (germline): Benign/Likely benign. Review status: criteria provided, multiple submitters, no conflicts (2 of 4 stars). 2 submissions from 2 submitters: Benign (1); Likely benign (1). Last evaluated 2024-07-15.

Conditions:
Oligodontia-cancer predisposition syndrome. Also called: TOOTH AGENESIS-COLORECTAL CANCER SYNDROME. Identifiers: Orphanet 300576, MedGen C1837750, MONDO:0012075, OMIM 608615. Disease mechanism: loss of function.

Submissions (2):

Labcorp Genetics (formerly Invitae), Labcorp
Classification: Likely benign for Oligodontia-cancer predisposition syndrome. Last evaluated: 2024-07-15. Review status: criteria provided, single submitter. Criteria: Invitae Variant Classification Sherloc (09022015). Collection method: clinical testing. Allele origin: germline.

Myriad Genetics, Inc.
Classification: Benign for Oligodontia-cancer predisposition syndrome. Last evaluated: 2024-07-03. Review status: criteria provided, single submitter. Criteria: Myriad Autosomal Dominant, Autosomal Recessive and X-Linked Classification Criteria (2023). Collection method: clinical testing. Allele origin: unknown.
Comment: This variant is considered benign. This variant is a silent/synonymous amino acid change and it is not expected to impact splicing.

NM_004655.4(AXIN2):c.1377C>G (p.Arg459=)

Gene: AXIN2 (axin 2; minus strand). Cytogenetic location: 17q24.1.
Variant type: single nucleotide variant.
Coding change: c.1377C>G on transcript NM_004655.4 (MANE Select); coding-DNA position 1377, C replaced by G.
Protein change: p.Arg459=; no amino-acid change (arginine 459 retained).
Molecular consequence: synonymous variant.
Genome position (GRCh38, 1-based): chr17:65,537,659, G>C on the plus strand (C>G on the coding strand, the complement: AXIN2 is on the minus strand). VCF-style: chr17-65537659-G-C. GRCh37 (hg19) VCF-style: chr17-63533777-G-C.
Other names: c.1377C>G (LRG_296t1); c.1377C>G, p.Arg459= (NM_001363813.1).
Identifiers: ClinVar variation 565520 (VCV000565520.9), dbSNP rs1567756229, ClinGen allele CA501691201.
Genomic context (GRCh38, chr17:65,537,659, plus strand): 5'-GGAGTGGTACTGCGAATGGTGGTGGTGGTGGTGGTCCGGGGAGCGGGAGCGGGGGCTATA[G>C]CGGCCTACGCCTGGAGACTGGCAGCCAGGGGTCTTGAGGACCCTGGACAGGTGATCGTCC-3'
Protein context (NP_004646.3, residues 449-469): TPGCQSPGVG[Arg459=]YSPRSRSPDH